The following is an entry in ClinVar:

ClinVar aggregate classification (germline): Uncertain significance. Review status: criteria provided, multiple submitters, no conflicts (2 of 4 stars). 2 submissions from 2 submitters: Uncertain significance (2). Last evaluated 2025-07-15.

Conditions:
Hereditary pheochromocytoma and paraganglioma. Also called: Hereditary paragangliomas and pheochromocytomas; Hereditary pheochromocytoma-paraganglioma; Hereditary Paraganglioma-Pheochromocytoma Syndromes. Identifiers: Orphanet 29072, MedGen C4274332, MONDO:0017366.
Hereditary cancer-predisposing syndrome. Also called: Tumor predisposition; Hereditary Cancer Syndrome; Hereditary neoplastic syndrome; Neoplastic Syndromes, Hereditary. Identifiers: Orphanet 140162, MedGen C0027672, MeSH D009386, MONDO:0015356.

Allele frequency attached by ClinVar (database versions not stated): TOPMed 0.00001.

Submissions (2):

Labcorp Genetics (formerly Invitae), Labcorp
Classification: Uncertain significance for Hereditary pheochromocytoma and paraganglioma. Last evaluated: 2025-07-15. Review status: criteria provided, single submitter. Criteria: Invitae Variant Classification Sherloc (09022015). Collection method: clinical testing. Allele origin: germline.
Comment: This sequence change replaces leucine, which is neutral and non-polar, with arginine, which is basic and polar, at codon 105 of the TMEM127 protein (p.Leu105Arg). This variant is not present in population databases (gnomAD no frequency). This variant has not been reported in the literature in individuals affected with TMEM127-related conditions. ClinVar contains an entry for this variant (Variation ID: 663875). An algorithm developed to predict the effect of missense changes on protein structure and function (PolyPhen-2) suggests that this variant is likely to be tolerated. In summary, the available evidence is currently insufficient to determine the role of this variant in disease. Therefore, it has been classified as a Variant of Uncertain Significance.

Ambry Genetics
Classification: Uncertain significance for Hereditary cancer-predisposing syndrome. Last evaluated: 2023-03-13. Review status: criteria provided, single submitter. Criteria: Ambry Variant Classification Scheme 2023. Collection method: clinical testing. Allele origin: germline.
Comment: The p.L105R variant (also known as c.314T>G), located in coding exon 2 of the TMEM127 gene, results from a T to G substitution at nucleotide position 314. The leucine at codon 105 is replaced by arginine, an amino acid with dissimilar properties. This alteration has been observed in at least one individual with a personal and/or family history that is consistent with TMEM127-related disease (Ambry internal data). This amino acid position is well conserved in available vertebrate species. In addition, this alteration is predicted to be deleterious by in silico analysis. Since supporting evidence is limited at this time, the clinical significance of this alteration remains unclear.

NM_017849.4(TMEM127):c.314T>G (p.Leu105Arg)

Gene: TMEM127 (transmembrane protein 127; minus strand). Cytogenetic location: 2q11.2.
Variant type: single nucleotide variant.
Coding change: c.314T>G on transcript NM_017849.4 (MANE Select); coding-DNA position 314, T replaced by G.
Protein change: p.Leu105Arg; replaces leucine 105 with arginine.
Molecular consequence: missense variant.
Genome position (GRCh38, 1-based): chr2:96,254,928, A>C on the plus strand (T>G on the coding strand, the complement: TMEM127 is on the minus strand). VCF-style: chr2-96254928-A-C. GRCh37 (hg19) VCF-style: chr2-96920666-A-C.
Other names: c.314T>G, p.Leu105Arg (NM_001193304.3); short protein forms L105R.
Identifiers: ClinVar variation 663875 (VCV000663875.11), dbSNP rs766918841, ClinGen allele CA52413027.